The following is an entry in ClinVar:

ClinVar aggregate classification (germline): Uncertain significance. Review status: criteria provided, multiple submitters, no conflicts (2 of 4 stars). 2 submissions from 2 submitters: Uncertain significance (2). Last evaluated 2025-08-03.

Conditions:
Inborn genetic diseases. Identifiers: MedGen C0950123, MeSH D030342.

gnomAD v4.1: 7 of 1,606,478 alleles (0.00044%); highest among the groups gnomAD compares: Admixed American, 0.0034%; no homozygotes.

Submissions (2):

Ambry Genetics
Classification: Uncertain significance for Inborn genetic diseases. Last evaluated: 2025-08-03. Review status: criteria provided, single submitter. Criteria: Ambry Variant Classification Scheme 2023. Collection method: clinical testing. Allele origin: germline.

Labcorp Genetics (formerly Invitae), Labcorp
Classification: Uncertain significance. Last evaluated: 2025-03-25. Review status: criteria provided, single submitter. Criteria: Invitae Variant Classification Sherloc (09022015). Collection method: clinical testing. Allele origin: germline.
Comment: This sequence change replaces serine, which is neutral and polar, with phenylalanine, which is neutral and non-polar, at codon 51 of the CADM3 protein (p.Ser51Phe). The frequency data for this variant in the population databases is considered unreliable, as metrics indicate poor data quality at this position in the gnomAD database. This variant has not been reported in the literature in individuals affected with CADM3-related conditions. An algorithm developed to predict the effect of missense changes on protein structure and function (PolyPhen-2) suggests that this variant is likely to be disruptive. In summary, the available evidence is currently insufficient to determine the role of this variant in disease. Therefore, it has been classified as a Variant of Uncertain Significance.

NM_001127173.3(CADM3):c.89-2102C>T

Gene: CADM3 (cell adhesion molecule 3; plus strand). Cytogenetic location: 1q23.2.
Variant type: single nucleotide variant.
Coding change: c.89-2102C>T on transcript NM_001127173.3 (MANE Select); 2102 bases into the intron before coding-DNA position 89, C replaced by T.
Molecular consequence: intron variant. On other transcripts: missense variant (1).
Genome position (GRCh38, 1-based): chr1:159,189,834, C>T. VCF-style: chr1-159189834-C-T. GRCh37 (hg19) VCF-style: chr1-159159624-C-T.
Other names: c.152C>T, p.Ser51Phe (NM_021189.5); c.89-2102C>T (NM_001346510.2); short protein forms S51F.
Identifiers: ClinVar variation 4218150 (VCV004218150.2).